The following is an entry in ClinVar:

NM_152598.4(MARCHF10):c.1679C>T (p.Thr560Ile)

Genes: MARCHF10 (membrane associated ring-CH-type finger 10; minus strand), MARCHF10-AS1 (MARCHF10 antisense RNA 1; plus strand). Cytogenetic location: 17q23.2.
Variant type: single nucleotide variant.
Coding change: c.1679C>T on transcript NM_152598.4 (MANE Select); coding-DNA position 1679, C replaced by T.
Protein change: p.Thr560Ile; replaces threonine 560 with isoleucine.
Molecular consequence: missense variant. On other transcripts: non-coding transcript variant (1).
Genome position (GRCh38, 1-based): chr17:62,736,189, G>A on the plus strand (C>T on the coding strand, the complement: MARCHF10 is on the minus strand). VCF-style: chr17-62736189-G-A. GRCh37 (hg19) VCF-style: chr17-60813550-G-A.
Other names: c.1679C>T, p.Thr560Ile (NM_001100875.3); c.1793C>T, p.Thr598Ile (NM_001288779.2); c.1676C>T, p.Thr559Ile (NM_001288780.2); short protein forms T559I, T560I, T598I.
Identifiers: ClinVar variation 3056124 (VCV003056124.2), dbSNP rs147046907, ClinGen allele CA8696751.

ClinVar aggregate classification (germline): Benign (0 of 4 stars; one submission).

Conditions:
MARCHF10-related disorder. Also called: MARCHF10-related condition.

Allele frequency attached by ClinVar (database versions not stated): 1000 Genomes Project 0.00379; 1000 Genomes Project 30x 0.00453; ExAC 0.00671; ESP Exome Variant Server 0.00684.

Submission:

PreventionGenetics, part of Exact Sciences
Classification: Benign for MARCHF10-related condition. Last evaluated: 2019-04-29. Review status: no assertion criteria provided. Collection method: clinical testing. Allele origin: germline.
Comment: This variant is classified as benign based on ACMG/AMP sequence variant interpretation guidelines (Richards et al. 2015 PMID: 25741868, with internal and published modifications).